The following is an entry in ClinVar:

ClinVar aggregate classification (germline): Conflicting classifications of pathogenicity. Review status: criteria provided, conflicting classifications (1 of 4 stars). 2 submissions from 2 submitters: Likely pathogenic (1); Uncertain significance (1). Last evaluated 2025-08-07.

Conditions:
PRPF8-related disorder. Also called: PRPF8-related condition.

Allele frequency attached by ClinVar (database versions not stated): TOPMed below 0.00001.

Submissions (2):

3billion
Classification: Uncertain significance for PRPF8-related disorder. Last evaluated: 2025-08-07. Review status: criteria provided, single submitter. Criteria: ACMG Guidelines, 2015. Collection method: clinical testing. Allele origin: germline. Affected: yes.
Comment: The variant is not observed in the gnomAD v4.1.0 dataset. Predicted Consequence/Location: Missense variant. Missense changes are a common disease-causing mechanism. In silico tool predictions suggest damaging effect of the variant on gene or gene product [REVEL: 0.80 (>=0.6, sensitivity 0.68 and specificity 0.92); 3Cnet: 0.71 (> 0.75, sensitivity 0.96 and precision 0.92)]. The same nucleotide change resulting in the same amino acid change has been previously reported to be associated with PRPF8-related disorder (ClinVar ID: VCV000424479, PMID: 35543142). Therefore, this variant is classified as VUS according to the recommendation of ACMG/AMP guideline.

GeneDx
Classification: Likely pathogenic. Last evaluated: 2021-09-29. Review status: criteria provided, single submitter. Criteria: GeneDx Variant Classification Process June 2021. Collection method: clinical testing. Allele origin: germline. Affected: yes.
Comment: Not observed at significant frequency in large population cohorts (Lek et al., 2016); In silico analysis supports that this missense variant has a deleterious effect on protein structure/function; Has not been previously published as pathogenic or benign to our knowledge

NM_006445.4(PRPF8):c.4733G>A (p.Arg1578Gln)

Gene: PRPF8 (pre-mRNA processing factor 8; minus strand). Cytogenetic location: 17p13.3.
Variant type: single nucleotide variant.
Coding change: c.4733G>A on transcript NM_006445.4 (MANE Select); coding-DNA position 4733, G replaced by A.
Protein change: p.Arg1578Gln; replaces arginine 1578 with glutamine.
Molecular consequence: missense variant.
Genome position (GRCh38, 1-based): chr17:1,660,484, C>T on the plus strand (G>A on the coding strand, the complement: PRPF8 is on the minus strand). VCF-style: chr17-1660484-C-T. GRCh37 (hg19) VCF-style: chr17-1563778-C-T.
Other names: short protein forms R1578Q.
Identifiers: ClinVar variation 424479 (VCV000424479.5), dbSNP rs1064796991, ClinGen allele CA16620336.
Genomic context (GRCh38, chr17:1,660,484, plus strand): 5'-CAGCCCACCTGACATAAGTCCATAACAATGCTCTCATGGATCTTCTGCCACAAGTGAGCT[C>T]GGAAGATCTGGATGAGAGAGATCTTCAGCGTGGGGATCTTGCCGTGCATGAAGATACCCG-3'
Protein context (NP_006436.3, residues 1568-1588): TLKISLIQIF[Arg1578Gln]AHLWQKIHES